The following is an entry in ClinVar:

NM_003743.5(NCOA1):c.3033G>T (p.Met1011Ile)

Gene: NCOA1 (nuclear receptor coactivator 1; plus strand). Cytogenetic location: 2p23.3.
Variant type: single nucleotide variant.
Coding change: c.3033G>T on transcript NM_003743.5 (MANE Select); coding-DNA position 3033, G replaced by T.
Protein change: p.Met1011Ile; replaces methionine 1011 with isoleucine.
Molecular consequence: missense variant.
Genome position (GRCh38, 1-based): chr2:24,729,647, G>T. VCF-style: chr2-24729647-G-T. GRCh37 (hg19) VCF-style: chr2-24952516-G-T.
Other names: c.3033G>T, p.Met1011Ile (NM_001362950.1, NM_001362952.1, NM_001362954.1 and 3 more transcripts); short protein forms M1011I.
Identifiers: ClinVar variation 3355859 (VCV003355859.1).

ClinVar aggregate classification (germline): Uncertain significance (0 of 4 stars; one submission).

Conditions:
NCOA1-related disorder. Also called: NCOA1-related condition.

Submission:

PreventionGenetics, part of Exact Sciences
Classification: Uncertain significance for NCOA1-related condition. Last evaluated: 2023-12-14. Review status: no assertion criteria provided. Collection method: clinical testing. Allele origin: germline.
Comment: The NCOA1 c.3033G>T variant is predicted to result in the amino acid substitution p.Met1011Ile. To our knowledge, this variant has not been reported in the literature. This variant is reported in 0.0018% of alleles in individuals of European (Non-Finnish) descent in gnomAD. At this time, the clinical significance of this variant is uncertain due to the absence of conclusive functional and genetic evidence.